The following is an entry in ClinVar:

NM_198252.3(GSN):c.589C>T (p.Arg197Trp)

Gene: GSN (gelsolin; plus strand). Cytogenetic location: 9q33.2.
Variant type: single nucleotide variant.
Coding change: c.589C>T on transcript NM_198252.3 (MANE Select); coding-DNA position 589, C replaced by T.
Protein change: p.Arg197Trp; replaces arginine 197 with tryptophan.
Molecular consequence: missense variant. On other transcripts: 5 prime UTR variant (1).
Genome position (GRCh38, 1-based): chr9:121,312,414, C>T. VCF-style: chr9-121312414-C-T. GRCh37 (hg19) VCF-style: chr9-124074692-C-T.
Other names: c.742C>T, p.Arg248Trp (NM_000177.5); c.589C>T, p.Arg197Trp (NM_001127662.2, NM_001127664.2, NM_001127665.2 and 10 more transcripts); c.697C>T, p.Arg233Trp (NM_001127663.2); c.622C>T, p.Arg208Trp (NM_001127666.2, NM_001127667.2, NM_001353063.2 and 13 more transcripts); c.640C>T, p.Arg214Trp (NM_001258029.2); c.613C>T, p.Arg205Trp (NM_001258030.2); c.661C>T, p.Arg221Trp (NM_001353076.2); c.-66C>T (NM_001353078.2); short protein forms R205W, R221W, R233W, R197W, R248W, R208W, R214W.
Identifiers: ClinVar variation 1758871 (VCV001758871.7), dbSNP rs2061256061, ClinGen allele CA374740837.

ClinVar aggregate classification (germline): Uncertain significance. Review status: criteria provided, multiple submitters, no conflicts (2 of 4 stars). 2 submissions from 2 submitters: Uncertain significance (2). Last evaluated 2023-10-29.

Conditions:
Inborn genetic diseases. Identifiers: MedGen C0950123, MeSH D030342.

Allele frequency attached by ClinVar (database versions not stated): TOPMed below 0.00001; gnomAD exomes 0.00002.

Submissions (2):

Labcorp Genetics (formerly Invitae), Labcorp
Classification: Uncertain significance. Last evaluated: 2023-10-29. Review status: criteria provided, single submitter. Criteria: Invitae Variant Classification Sherloc (09022015). Collection method: clinical testing. Allele origin: germline.
Comment: This sequence change replaces arginine, which is basic and polar, with tryptophan, which is neutral and slightly polar, at codon 248 of the GSN protein (p.Arg248Trp). This variant is not present in population databases (gnomAD no frequency). This variant has not been reported in the literature in individuals affected with GSN-related conditions. ClinVar contains an entry for this variant (Variation ID: 1758871). Advanced modeling of protein sequence and biophysical properties (such as structural, functional, and spatial information, amino acid conservation, physicochemical variation, residue mobility, and thermodynamic stability) performed at Invitae indicates that this missense variant is expected to disrupt GSN protein function with a positive predictive value of 80%. In summary, the available evidence is currently insufficient to determine the role of this variant in disease. Therefore, it has been classified as a Variant of Uncertain Significance.

Ambry Genetics
Classification: Uncertain significance for Inborn genetic diseases. Last evaluated: 2022-09-12. Review status: criteria provided, single submitter. Criteria: Ambry Variant Classification Scheme 2023. Collection method: clinical testing. Allele origin: germline.
Comment: The p.R248W variant (also known as c.742C>T), located in coding exon 5 of the GSN gene, results from a C to T substitution at nucleotide position 742. The arginine at codon 248 is replaced by tryptophan, an amino acid with dissimilar properties. This amino acid position is conserved. In addition, this alteration is predicted to be deleterious by in silico analysis. Since supporting evidence is limited at this time, the clinical significance of this alteration remains unclear.